The following is an entry in ClinVar:

ClinVar aggregate classification (germline): Uncertain significance (1 of 4 stars; one submission).

Conditions:
Microcephaly, normal intelligence and immunodeficiency (NBS). Also called: Ataxia telangiectasia variant V1; IMMUNODEFICIENCY, MICROCEPHALY, AND CHROMOSOMAL INSTABILITY; Immunodeficiency, microcephaly with normal intelligence; BERLIN BREAKAGE SYNDROME; SEEMANOVA SYNDROME II; Nijmegen breakage syndrome. Identifiers: Orphanet 647, MedGen C0398791, MONDO:0009623, OMIM 251260.

Submission:

Labcorp Genetics (formerly Invitae), Labcorp
Classification: Uncertain significance for Microcephaly, normal intelligence and immunodeficiency. Last evaluated: 2021-08-02. Review status: criteria provided, single submitter. Criteria: Invitae Variant Classification Sherloc (09022015). Collection method: clinical testing. Allele origin: germline.
Comment: In summary, the available evidence is currently insufficient to determine the role of this variant in disease. Therefore, it has been classified as a Variant of Uncertain Significance. Algorithms developed to predict the effect of missense changes on protein structure and function are either unavailable or do not agree on the potential impact of this missense change (SIFT: "Deleterious"; PolyPhen-2: "Probably Damaging"; Align-GVGD: "Class C0"). ClinVar contains an entry for this variant (Variation ID: 1171798). This variant has not been reported in the literature in individuals affected with NBN-related conditions. This variant is not present in population databases (ExAC no frequency). This sequence change replaces leucine with proline at codon 739 of the NBN protein (p.Leu739Pro). The leucine residue is moderately conserved and there is a moderate physicochemical difference between leucine and proline.

NM_002485.5(NBN):c.2216T>C (p.Leu739Pro)

Gene: NBN (nibrin; minus strand). Cytogenetic location: 8q21.3.
Variant type: single nucleotide variant.
Coding change: c.2216T>C on transcript NM_002485.5 (MANE Select); coding-DNA position 2216, T replaced by C.
Protein change: p.Leu739Pro; replaces leucine 739 with proline.
Molecular consequence: missense variant.
Genome position (GRCh38, 1-based): chr8:89,937,044, A>G on the plus strand (T>C on the coding strand, the complement: NBN is on the minus strand). VCF-style: chr8-89937044-A-G. GRCh37 (hg19) VCF-style: chr8-90949272-A-G.
Other names: c.1970T>C, p.Leu657Pro (NM_001024688.3); short protein forms L657P, L739P.
Identifiers: ClinVar variation 1171798 (VCV001171798.7), dbSNP rs2130739195, ClinGen allele CA371674774.